The following is an entry in ClinVar:

ClinVar aggregate classification (germline): Uncertain significance (1 of 4 stars; one submission).

Allele frequency attached by ClinVar (database versions not stated): TOPMed below 0.00001.

Submission:

Ambry Genetics
Classification: Uncertain significance. Last evaluated: 2024-06-17. Review status: criteria provided, single submitter. Criteria: Ambry Variant Classification Scheme 2023. Collection method: clinical testing. Allele origin: germline.
Comment: The p.S636T variant (also known as c.1907G>C), located in coding exon 17 of the RAD54L gene, results from a G to C substitution at nucleotide position 1907. The serine at codon 636 is replaced by threonine, an amino acid with similar properties. This amino acid position is conserved. In addition, this alteration is predicted to be tolerated by in silico analysis. Since supporting evidence is limited at this time, the clinical significance of this alteration remains unclear.

NM_003579.4(RAD54L):c.1907G>C (p.Ser636Thr)

Genes: LRRC41 (leucine rich repeat containing 41; minus strand), RAD54L (RAD54 like; plus strand). Cytogenetic location: 1p34.1.
Variant type: single nucleotide variant.
Coding change: c.1907G>C on transcript NM_003579.4 (MANE Select); coding-DNA position 1907, G replaced by C.
Protein change: p.Ser636Thr; replaces serine 636 with threonine.
Molecular consequence: missense variant. On other transcripts: 3 prime UTR variant (1).
Genome position (GRCh38, 1-based): chr1:46,277,854, G>C. VCF-style: chr1-46277854-G-C. GRCh37 (hg19) VCF-style: chr1-46743526-G-C.
Other names: c.*1011C>G (NM_006369.5); c.1907G>C, p.Ser636Thr (NM_001142548.2); c.1367G>C, p.Ser456Thr (NM_001370766.1); short protein forms S636T, S456T.
Identifiers: ClinVar variation 1782416 (VCV001782416.3), dbSNP rs1478829696, ClinGen allele CA340189210.